The following is an entry in ClinVar:

ClinVar aggregate classification (germline): Benign/Likely benign. Review status: criteria provided, multiple submitters, no conflicts (2 of 4 stars). 9 submissions from 9 submitters: Benign (5); Likely benign (1). 3 of the submissions do not count toward it. Last evaluated 2026-01-20.

Conditions:
KDM5C-related disorder. Also called: KDM5C-related condition.
Inborn genetic diseases. Identifiers: MedGen C0950123, MeSH D030342.
Spastic paraplegia. Identifiers: MedGen C0037772, HP:0001258.
Intellectual disability. Also called: Intellectual functioning disability; intellectual disabilities; Intellectual developmental disorder. Identifiers: MedGen C3714756, MeSH D008607, MONDO:0001071, HP:0001249.

Allele frequency attached by ClinVar (database versions not stated): TOPMed 0.00047; gnomAD 0.00064 and 0.00066; ESP Exome Variant Server 0.00085; gnomAD exomes 0.00092 and 0.00102; ExAC 0.00122.
gnomAD v4.1: 1,086 of 1,209,897 alleles (0.09%); highest among the groups gnomAD compares: Non-Finnish European, 0.1%; 1 homozygote.

Submissions (9):

Labcorp Genetics (formerly Invitae), Labcorp
Classification: Benign for Spastic paraplegia. Last evaluated: 2026-01-20. Review status: criteria provided, single submitter. Criteria: Invitae Variant Classification Sherloc (09022015). Collection method: clinical testing. Allele origin: germline.

Blueprint Genetics
Classification: Likely benign. Last evaluated: 2024-10-29. Review status: criteria provided, single submitter. Criteria: ACMG Guidelines, 2015. Collection method: clinical testing. Allele origin: germline.

Cambridge Genomics Laboratory, East Genomic Laboratory Hub, NHS Genomic Medicine Service
Classification: Benign for Intellectual disability. Last evaluated: 2020-01-13. Review status: criteria provided, single submitter. Criteria: ACGS Best Practice Guidelines for Variant Classification in Rare Disease 2020. Collection method: clinical testing. Allele origin: germline. Affected: yes. Observed: 1 variant allele.

GeneDx
Classification: Benign. Last evaluated: 2019-04-04. Review status: criteria provided, single submitter. Criteria: GeneDx Variant Classification Process June 2021. Collection method: clinical testing. Allele origin: germline. Affected: yes.

Ambry Genetics
Classification: Benign for Inborn genetic diseases. Last evaluated: 2017-01-27. Review status: criteria provided, single submitter. Criteria: Ambry Variant Classification Scheme 2023. Collection method: clinical testing. Allele origin: germline.

Genomic Diagnostic Laboratory, Division of Genomic Diagnostics, Children's Hospital of Philadelphia
Classification: Benign. Last evaluated: 2015-08-19. Review status: criteria provided, single submitter. Criteria: DGD Variant Analysis Guidelines. Collection method: clinical testing. Allele origin: unknown.

PreventionGenetics, part of Exact Sciences
Classification: Likely benign for KDM5C-related condition. Last evaluated: 2021-06-06. Review status: no assertion criteria provided. Collection method: clinical testing. Allele origin: germline. Not counted in ClinVar's aggregate classification.
Comment: This variant is classified as likely benign based on ACMG/AMP sequence variant interpretation guidelines (Richards et al. 2015 PMID: 25741868, with internal and published modifications).

Clinical Genetics DNA and cytogenetics Diagnostics Lab, Erasmus MC, Erasmus Medical Center
Classification: Likely benign. Review status: no assertion criteria provided. Collection method: clinical testing. Allele origin: germline. Affected: yes. Study: VKGL Data-share Consensus. Not counted in ClinVar's aggregate classification.

Genome Diagnostics Laboratory, University Medical Center Utrecht
Classification: Likely benign. Review status: no assertion criteria provided. Collection method: clinical testing. Allele origin: germline. Affected: yes. Study: VKGL Data-share Consensus. Not counted in ClinVar's aggregate classification.

NM_004187.5(KDM5C):c.4303C>T (p.Arg1435Cys)

Gene: KDM5C (lysine demethylase 5C; minus strand). Cytogenetic location: Xp11.22.
Variant type: single nucleotide variant.
Coding change: c.4303C>T on transcript NM_004187.5 (MANE Select); coding-DNA position 4303, C replaced by T.
Protein change: p.Arg1435Cys; replaces arginine 1435 with cysteine.
Molecular consequence: missense variant. On other transcripts: non-coding transcript variant (3), intron variant (1).
Genome position (GRCh38, 1-based): chrX:53,193,451, G>A on the plus strand (C>T on the coding strand, the complement: KDM5C is on the minus strand). VCF-style: chrX-53193451-G-A. GRCh37 (hg19) VCF-style: chrX-53222633-G-A.
Other names: c.4300C>T, p.Arg1434Cys (NM_001282622.3, NM_001353979.2); c.4294C>T, p.Arg1432Cys (NM_001353978.3, NM_001353981.2, NM_001353984.2); c.4291C>T, p.Arg1431Cys (NM_001353982.2); c.4046+47C>T (NM_001146702.2); short protein forms R1435C, R1431C, R1434C, R1432C.
Identifiers: ClinVar variation 252625 (VCV000252625.25), dbSNP rs140506776, ClinGen allele CA10419103.